The following is an entry in ClinVar:

ClinVar aggregate classification (germline): Uncertain significance (1 of 4 stars; one submission).

Submission:

Labcorp Genetics (formerly Invitae), Labcorp
Classification: Uncertain significance. Last evaluated: 2024-01-07. Review status: criteria provided, single submitter. Criteria: Invitae Variant Classification Sherloc (09022015). Collection method: clinical testing. Allele origin: germline.
Comment: This sequence change replaces glutamic acid, which is acidic and polar, with glutamine, which is neutral and polar, at codon 694 of the SCN3A protein (p.Glu694Gln). This variant is not present in population databases (gnomAD no frequency). This variant has not been reported in the literature in individuals affected with SCN3A-related conditions. Advanced modeling of protein sequence and biophysical properties (such as structural, functional, and spatial information, amino acid conservation, physicochemical variation, residue mobility, and thermodynamic stability) has been performed at Invitae for this missense variant, however the output from this modeling did not meet the statistical confidence thresholds required to predict the impact of this variant on SCN3A protein function. In summary, the available evidence is currently insufficient to determine the role of this variant in disease. Therefore, it has been classified as a Variant of Uncertain Significance.

NM_006922.4(SCN3A):c.2080G>C (p.Glu694Gln)

Gene: SCN3A (sodium voltage-gated channel alpha subunit 3; minus strand). Cytogenetic location: 2q24.3.
Variant type: single nucleotide variant.
Coding change: c.2080G>C on transcript NM_006922.4 (MANE Select); coding-DNA position 2080, G replaced by C.
Protein change: p.Glu694Gln; replaces glutamic acid 694 with glutamine.
Molecular consequence: missense variant.
Genome position (GRCh38, 1-based): chr2:165,139,548, C>G on the plus strand (G>C on the coding strand, the complement: SCN3A is on the minus strand). VCF-style: chr2-165139548-C-G. GRCh37 (hg19) VCF-style: chr2-165996058-C-G.
Other names: c.1933G>C, p.Glu645Gln (NM_001081676.2, NM_001081677.2); short protein forms E645Q, E694Q.
Identifiers: ClinVar variation 2703830 (VCV002703830.3), dbSNP rs1553527491, ClinGen allele CA349045705.